The following is an entry in ClinVar:

NM_001365902.3(NFIX):c.824C>T (p.Thr275Ile)

Gene: NFIX (nuclear factor I X; plus strand). Cytogenetic location: 19p13.13.
Variant type: single nucleotide variant.
Coding change: c.824C>T on transcript NM_001365902.3 (MANE Select); coding-DNA position 824, C replaced by T.
Protein change: p.Thr275Ile; replaces threonine 275 with isoleucine.
Molecular consequence: missense variant.
Genome position (GRCh38, 1-based): chr19:13,075,540, C>T. VCF-style: chr19-13075540-C-T. GRCh37 (hg19) VCF-style: chr19-13186354-C-T.
Other names: c.848C>T, p.Thr283Ile (NM_001271043.2); c.800C>T, p.Thr267Ile (NM_001271044.3, NM_001378404.1); c.824C>T, p.Thr275Ile (NM_001365982.2, NM_002501.4); c.683C>T, p.Thr228Ile (NM_001365983.2); c.821C>T, p.Thr274Ile (NM_001365984.2, NM_001365985.2); c.872C>T, p.Thr291Ile (NM_001378405.1); short protein forms T228I, T267I, T274I, T275I, T283I, T291I.
Identifiers: ClinVar variation 1699828 (VCV001699828.3), dbSNP rs1237300588, ClinGen allele CA404296974.

ClinVar aggregate classification (germline): Uncertain significance. Review status: criteria provided, multiple submitters, no conflicts (2 of 4 stars). 2 submissions from 2 submitters: Uncertain significance (2). Last evaluated 2025-10-06.

Allele frequency attached by ClinVar (database versions not stated): gnomAD exomes below 0.00001; TOPMed below 0.00001.
gnomAD v4.1: 4 of 1,613,684 alleles (0.00025%); highest among the groups gnomAD compares: Non-Finnish European, 0.00034%; no homozygotes.

Submissions (2):

Greenwood Genetic Center Diagnostic Laboratories, Greenwood Genetic Center
Classification: Uncertain significance. Last evaluated: 2025-10-06. Review status: criteria provided, single submitter. Criteria: ACMG Guidelines, 2015. Collection method: clinical testing. Allele origin: germline. Affected: yes.
Comment: BP4, PP2

GeneDx
Classification: Uncertain significance. Last evaluated: 2022-01-26. Review status: criteria provided, single submitter. Criteria: GeneDx Variant Classification Process June 2021. Collection method: clinical testing. Allele origin: germline. Affected: yes.
Comment: Not observed at significant frequency in large population cohorts (gnomAD); In silico analysis supports that this missense variant does not alter protein structure/function; Has not been previously published as pathogenic or benign to our knowledge; This variant is associated with the following publications: (PMID: 22982744)